The following is an entry in ClinVar:

NM_001287.6(CLCN7):c.937G>A (p.Glu313Lys)

Gene: CLCN7 (chloride voltage-gated channel 7; minus strand). Cytogenetic location: 16p13.3.
Variant type: single nucleotide variant.
Coding change: c.937G>A on transcript NM_001287.6 (MANE Select); coding-DNA position 937, G replaced by A.
Protein change: p.Glu313Lys; replaces glutamic acid 313 with lysine.
Molecular consequence: missense variant.
Genome position (GRCh38, 1-based): chr16:1,455,775, C>T on the plus strand (G>A on the coding strand, the complement: CLCN7 is on the minus strand). VCF-style: chr16-1455775-C-T. GRCh37 (hg19) VCF-style: chr16-1505776-C-T.
Other names: c.865G>A, p.Glu289Lys (NM_001114331.3); c.937G>A (NM_001287.5); short protein forms E289K, E313K.
Identifiers: ClinVar variation 1456485 (VCV001456485.9), dbSNP rs2142379352, ClinGen allele CA394190082.

ClinVar aggregate classification (germline): Conflicting classifications of pathogenicity. Review status: criteria provided, conflicting classifications (1 of 4 stars). 2 submissions from 2 submitters: Pathogenic (1); Uncertain significance (1). Last evaluated 2023-11-27.

Submissions (2):

GeneDx
Classification: Uncertain significance. Last evaluated: 2023-11-27. Review status: criteria provided, single submitter. Criteria: GeneDx Variant Classification Process June 2021. Collection method: clinical testing. Allele origin: germline. Affected: yes.
Comment: Not observed at significant frequency in large population cohorts (gnomAD); In silico analysis supports that this missense variant has a deleterious effect on protein structure/function; This variant is associated with the following publications: (PMID: 37334733, 36051116, 35370969, 30942407, 21947783)

Labcorp Genetics (formerly Invitae), Labcorp
Classification: Pathogenic. Last evaluated: 2021-07-28. Review status: criteria provided, single submitter. Criteria: Invitae Variant Classification Sherloc (09022015). Collection method: clinical testing. Allele origin: germline.
Comment: This sequence change replaces glutamic acid with lysine at codon 313 of the CLCN7 protein (p.Glu313Lys). The glutamic acid residue is highly conserved and there is a small physicochemical difference between glutamic acid and lysine. This variant is not present in population databases (ExAC no frequency). This variant has been observed in individual(s) with clinical features of autosomal dominant osteopetrosis (PMID: 21947783, 30942407, Invitae). Advanced modeling of protein sequence and biophysical properties (such as structural, functional, and spatial information, amino acid conservation, physicochemical variation, residue mobility, and thermodynamic stability) performed at Invitae indicates that this missense variant is expected to disrupt CLCN7 protein function. For these reasons, this variant has been classified as Pathogenic.

Literature cited by the submitters: PubMed 21947783 (cited by Labcorp Genetics (formerly Invitae), Labcorp); PubMed 30942407 (cited by Labcorp Genetics (formerly Invitae), Labcorp).